The following is an entry in ClinVar:

ClinVar aggregate classification (germline): Uncertain significance (1 of 4 stars; one submission).

Submission:

Laboratory for Molecular Medicine, Mass General Brigham Personalized Medicine
Classification: Uncertain significance. Last evaluated: 2020-08-19. Review status: criteria provided, single submitter. Criteria: LMM Criteria. Collection method: clinical testing. Allele origin: germline. Observed: 2 variant alleles.
Comment: Variant classified as Uncertain Significance - Favor Benign. This variant was absent from large population studies. Computational prediction tools and conservation analysis suggest that this variant may impact the protein, though this information is not predictive enough to determine pathogenicity. In summary, while the clinical significance of the p.Pro1760Gln variant is uncertain, these data suggest that it is more likely to be benign. ACMG/AMP Criteria applied: PM2, PP3, BS1_Supporting

NM_012330.4(KAT6B):c.5279C>A (p.Pro1760Gln)

Gene: KAT6B (lysine acetyltransferase 6B; plus strand). Cytogenetic location: 10q22.2.
Variant type: single nucleotide variant.
Coding change: c.5279C>A on transcript NM_012330.4 (MANE Select); coding-DNA position 5279, C replaced by A.
Protein change: p.Pro1760Gln; replaces proline 1760 with glutamine.
Molecular consequence: missense variant.
Genome position (GRCh38, 1-based): chr10:75,030,103, C>A. VCF-style: chr10-75030103-C-A. GRCh37 (hg19) VCF-style: chr10-76789861-C-A.
Other names: c.4730C>A, p.Pro1577Gln (NM_001256468.2, NM_001370138.1); c.4403C>A, p.Pro1468Gln (NM_001256469.2, NM_001370139.1, NM_001370140.1 and 2 more transcripts); c.4241C>A, p.Pro1414Gln (NM_001370132.1); c.3590C>A, p.Pro1197Gln (NM_001370133.1); c.3194C>A, p.Pro1065Gln (NM_001370134.1); c.2936C>A, p.Pro979Gln (NM_001370135.1); c.5279C>A, p.Pro1760Gln (NM_001370136.1, NM_001370137.1); c.4214C>A, p.Pro1405Gln (NM_001370143.1, NM_001370144.1); short protein forms P1065Q, P1414Q, P1468Q, P1577Q, P1760Q, P979Q, P1197Q, P1405Q.
Identifiers: ClinVar variation 930076 (VCV000930076.5), dbSNP rs1385883942, ClinGen allele CA377300679.